The following is an entry in ClinVar:

NM_014264.5(PLK4):c.1861G>A (p.Val621Met)

Gene: PLK4 (polo like kinase 4; plus strand). Cytogenetic location: 4q28.1.
Variant type: single nucleotide variant.
Coding change: c.1861G>A on transcript NM_014264.5 (MANE Select); coding-DNA position 1861, G replaced by A.
Protein change: p.Val621Met; replaces valine 621 with methionine.
Molecular consequence: missense variant.
Genome position (GRCh38, 1-based): chr4:127,891,122, G>A. VCF-style: chr4-127891122-G-A. GRCh37 (hg19) VCF-style: chr4-128812277-G-A.
Other names: c.1765G>A, p.Val589Met (NM_001190799.2); c.1738G>A, p.Val580Met (NM_001190801.2); short protein forms V621M, V589M, V580M.
Identifiers: ClinVar variation 1927859 (VCV001927859.5), dbSNP rs773122147, ClinGen allele CA3076881.

ClinVar aggregate classification (germline): Uncertain significance (1 of 4 stars; one submission).

Allele frequency attached by ClinVar (database versions not stated): ExAC 0.00001; gnomAD 0.00001; TOPMed 0.00002.
gnomAD v4.1: 4 of 1,589,622 alleles (0.00025%); highest among the groups gnomAD compares: African/African-American, 0.0054%; no homozygotes.

Submission:

Labcorp Genetics (formerly Invitae), Labcorp
Classification: Uncertain significance. Last evaluated: 2022-03-31. Review status: criteria provided, single submitter. Criteria: Invitae Variant Classification Sherloc (09022015). Collection method: clinical testing. Allele origin: germline.
Comment: In summary, the available evidence is currently insufficient to determine the role of this variant in disease. Therefore, it has been classified as a Variant of Uncertain Significance. Algorithms developed to predict the effect of missense changes on protein structure and function (SIFT, PolyPhen-2, Align-GVGD) all suggest that this variant is likely to be tolerated. This variant has not been reported in the literature in individuals affected with PLK4-related conditions. The frequency data for this variant in the population databases is considered unreliable, as metrics indicate poor data quality at this position in the gnomAD database. This sequence change replaces valine, which is neutral and non-polar, with methionine, which is neutral and non-polar, at codon 621 of the PLK4 protein (p.Val621Met).